The following is an entry in ClinVar:

NM_001242896.3(DEPDC5):c.2619G>A (p.Thr873=)

Gene: DEPDC5 (DEP domain containing 5, GATOR1 subcomplex subunit; plus strand). Cytogenetic location: 22q12.3.
Variant type: single nucleotide variant.
Coding change: c.2619G>A on transcript NM_001242896.3 (MANE Select); coding-DNA position 2619, G replaced by A.
Protein change: p.Thr873=; no amino-acid change (threonine 873 retained).
Molecular consequence: synonymous variant. On other transcripts: non-coding transcript variant (5).
Genome position (GRCh38, 1-based): chr22:31,843,198, G>A. VCF-style: chr22-31843198-G-A. GRCh37 (hg19) VCF-style: chr22-32239184-G-A.
Other names: c.2619G>A (NM_001242896.1); c.2592G>A, p.Thr864= (NM_001136029.4, NM_001369903.1, NM_014662.6); c.2385G>A, p.Thr795= (NM_001242897.2, NM_001363854.2, NM_001364319.2); c.2619G>A, p.Thr873= (NM_001363852.2, NM_001364318.2, NM_001364320.2); c.2535G>A, p.Thr845= (NM_001369901.1, NM_001369902.1).
Identifiers: ClinVar variation 1142232 (VCV001142232.11), dbSNP rs371442017, ClinGen allele CA10196762.

ClinVar aggregate classification (germline): Likely benign. Review status: criteria provided, single submitter (1 of 4 stars). 2 submissions from 2 submitters: Likely benign (1). 1 of the submissions does not count toward it. Last evaluated 2025-06-02.

Conditions:
DEPDC5-related disorder. Also called: DEPDC5-related condition; DEPDC5-related related disorder.
Familial focal epilepsy with variable foci (FPEVF). Identifiers: Orphanet 98820, MedGen C1858477, MONDO:0020310.

Allele frequency attached by ClinVar (database versions not stated): ExAC 0.00002; ESP Exome Variant Server 0.00008; TOPMed 0.00002; gnomAD exomes 0.00001; gnomAD 0.00003.
gnomAD v4.1: 27 of 1,613,704 alleles (0.0017%); highest among the groups gnomAD compares: Non-Finnish European, 0.002%; no homozygotes.

Submissions (2):

Labcorp Genetics (formerly Invitae), Labcorp
Classification: Likely benign for Familial focal epilepsy with variable foci. Last evaluated: 2025-06-02. Review status: criteria provided, single submitter. Criteria: Invitae Variant Classification Sherloc (09022015). Collection method: clinical testing. Allele origin: germline.

PreventionGenetics, part of Exact Sciences
Classification: Likely benign for DEPDC5-related condition. Last evaluated: 2019-06-24. Review status: no assertion criteria provided. Collection method: clinical testing. Allele origin: germline. Not counted in ClinVar's aggregate classification.
Comment: This variant is classified as likely benign based on ACMG/AMP sequence variant interpretation guidelines (Richards et al. 2015 PMID: 25741868, with internal and published modifications).